The following is an entry in ClinVar:

NM_001267550.2(TTN):c.79717G>T (p.Glu26573Ter)

Genes: TTN (titin; minus strand), TTN-AS1 (TTN antisense RNA 1; plus strand). Cytogenetic location: 2q31.2.
Variant type: single nucleotide variant.
Coding change: c.79717G>T on transcript NM_001267550.2 (MANE Select); coding-DNA position 79717, G replaced by T.
Protein change: p.Glu26573Ter; replaces glutamic acid 26573 with a stop codon.
Molecular consequence: nonsense.
Genome position (GRCh38, 1-based): chr2:178,566,415, C>A on the plus strand (G>T on the coding strand, the complement: TTN is on the minus strand). VCF-style: chr2-178566415-C-A. GRCh37 (hg19) VCF-style: chr2-179431142-C-A.
Other names: c.74794G>T, p.Glu24932Ter (NM_001256850.1); c.52522G>T, p.Glu17508Ter (NM_003319.4); c.72013G>T, p.Glu24005Ter (NM_133378.4); c.52897G>T, p.Glu17633Ter (NM_133432.3); c.53098G>T, p.Glu17700Ter (NM_133437.4); short protein forms E24005*, E17508*, E26573*, E17633*, E24932*, E17700*.
Identifiers: ClinVar variation 935729 (VCV000935729.11), dbSNP rs1705879851, ClinGen allele CA349594225.

ClinVar aggregate classification (germline): Likely pathogenic. Review status: criteria provided, multiple submitters, no conflicts (2 of 4 stars). 2 submissions from 2 submitters: Likely pathogenic (2). Last evaluated 2025-10-21.

Conditions:
Dilated cardiomyopathy 1G (CMD1G). Identifiers: Orphanet 154, MedGen C1858763, MONDO:0011400, OMIM 604145.
Autosomal recessive limb-girdle muscular dystrophy type 2J (LGMDR10). Also called: Limb-girdle muscular dystrophy, type 2J; MUSCULAR DYSTROPHY, LIMB-GIRDLE, AUTOSOMAL RECESSIVE 10. Identifiers: Orphanet 140922, MedGen C1837342, MONDO:0012127, OMIM 608807.
Cardiovascular phenotype. Identifiers: MedGen CN230736.

Submissions (2):

Labcorp Genetics (formerly Invitae), Labcorp
Classification: Likely pathogenic for Dilated cardiomyopathy 1G; Autosomal recessive limb-girdle muscular dystrophy type 2J. Last evaluated: 2025-10-21. Review status: criteria provided, single submitter. Criteria: Invitae Variant Classification Sherloc (09022015). Collection method: clinical testing. Allele origin: germline.
Comment: This sequence change creates a premature translational stop signal (p.Glu26573*) in the TTN gene. While this is not anticipated to result in nonsense mediated decay, it is expected to create a truncated TTN protein. This variant is not present in population databases (gnomAD no frequency). This variant has not been reported in the literature in individuals affected with TTN-related conditions. ClinVar contains an entry for this variant (Variation ID: 935729). This variant is located in the A band of TTN (PMID: 25589632). Truncating variants in this region are significantly overrepresented in patients affected with dilated cardiomyopathy (PMID: 25589632). Truncating variants in this region have also been reported in individuals affected with autosomal recessive centronuclear myopathy (PMID: 23975875). In summary, the currently available evidence indicates that the variant is pathogenic, but additional data are needed to prove that conclusively. Therefore, this variant has been classified as Likely Pathogenic.

Ambry Genetics
Classification: Likely pathogenic for Cardiovascular phenotype. Last evaluated: 2023-01-06. Review status: criteria provided, single submitter. Criteria: Ambry Variant Classification Scheme 2023. Collection method: clinical testing. Allele origin: germline.
Comment: The p.E17508* variant (also known as c.52522G>T), located in coding exon 153 of the TTN gene, results from a G to T substitution at nucleotide position 52522. This changes the amino acid from a glutamic acid to a stop codon within coding exon 153. This exon is located in the A-band region of the N2-B isoform of the titin protein and is constitutively expressed in TTN transcripts (percent spliced in or PSI 100%). This variant is considered to be rare based on population cohorts in the Genome Aggregation Database (gnomAD). In addition, this alteration is expected to result in loss of function by premature protein truncation or nonsense-mediated mRNA decay. While truncating variants in TTN are present in 1-3% of the general population, truncating variants in the A-band are the most common cause of dilated cardiomyopathy (DCM) (Herman DS et al. N. Engl. J. Med., 2012 Feb;366:619-28; Roberts AM et al. Sci Transl Med, 2015 Jan;7:270ra6). TTN truncating variants encoded in constitutive exons (PSI >90%) have been found to be significantly associated with DCM regardless of their position in titin (Schafer S et al. Nat. Genet., 2017 01;49:46-53). Based on the majority of available evidence to date, this variant is likely to be pathogenic.

Literature cited by the submitters: PubMed 25589632 (cited by Labcorp Genetics (formerly Invitae), Labcorp); PubMed 23975875 (cited by Labcorp Genetics (formerly Invitae), Labcorp).